The following is an entry in ClinVar:

ClinVar aggregate classification (germline): Conflicting classifications of pathogenicity. Review status: criteria provided, conflicting classifications (1 of 4 stars). 11 submissions from 11 submitters: Uncertain significance (7); Likely benign (1). 3 of the submissions do not count toward it. Last evaluated 2026-01-24.

Conditions:
TYR-related disorder. Also called: TYR-related condition.
Oculocutaneous albinism. Identifiers: Orphanet 55, MedGen C0078918, MONDO:0018910.
Oculocutaneous albinism type 1A (OCA1A). Also called: Albinism, oculocutaneous, type IA. Identifiers: Orphanet 352731, Orphanet 79431, MedGen C4551504, MONDO:0008745, OMIM 203100. Disease mechanism: loss of function.
Oculocutaneous albinism type 1B (OCA1B). Also called: YELLOW ALBINISM; ALBINISM, OCULOCUTANEOUS, TYPE IB; ALBINISM, YELLOW MUTANT TYPE. Identifiers: Orphanet 352731, Orphanet 352737, Orphanet 79434, MedGen C1847024, MONDO:0011749, OMIM 606952.
Ocular albinism with congenital sensorineural hearing loss. Identifiers: MedGen CN028925.
SKIN/HAIR/EYE PIGMENTATION 3, LIGHT/DARK SKIN (SHEP3). Also called: EYE COLOR 1; EYE COLOR, GREEN/BLUE; SKIN/HAIR/EYE PIGMENTATION 3, BLUE/GREEN EYE COLOR; SKIN/HAIR/EYE PIGMENTATION 3, FRECKLING; SKIN/HAIR/EYE PIGMENTATION, VARIATION IN, 3. Identifiers: MedGen C2677190, OMIM 601800.

Allele frequency attached by ClinVar (database versions not stated): gnomAD exomes 0.00150 and 0.00246; gnomAD 0.00162 and 0.00175; ExAC 0.00165; ESP Exome Variant Server 0.00200; 1000 Genomes Project 0.00040; 1000 Genomes Project 30x 0.00047; TOPMed 0.00135.
gnomAD v4.1: 3,768 of 1,610,256 alleles (0.23%); highest among the groups gnomAD compares: Non-Finnish European, 0.3%; 9 homozygotes.

Submissions (14):

Labcorp Genetics (formerly Invitae), Labcorp
Classification: Likely benign. Last evaluated: 2026-01-24. Review status: criteria provided, single submitter. Criteria: Invitae Variant Classification Sherloc (09022015). Collection method: clinical testing. Allele origin: germline.

PreventionGenetics, part of Exact Sciences
Classification: Uncertain significance for TYR-related condition. Last evaluated: 2025-12-17. Review status: criteria provided, single submitter. Criteria: ACMG Guidelines, 2015. Collection method: clinical testing. Allele origin: germline.
Comment: The TYR c.1366+4A>G variant is predicted to interfere with splicing. This variant was reported in at least 2 individuals with oculocutaneous albinism (Spritz et al. 1993. PubMed ID: 8217557; Hutton et al. 2008. PubMed ID: 18463683). This variant is reported in 0.29% of alleles in individuals of European (Non-Finnish) descent in gnomAD. Although we suspect this variant may be benign, at this time, the clinical significance of this variant is uncertain due to the absence of conclusive functional and genetic evidence.

Blueprint Genetics
Classification: Uncertain significance. Last evaluated: 2024-11-11. Review status: criteria provided, single submitter. Criteria: ACMG Guidelines, 2015. Collection method: clinical testing. Allele origin: germline.

CeGaT Center for Human Genetics Tuebingen
Classification: Uncertain significance. Last evaluated: 2024-05-01. Review status: criteria provided, single submitter. Criteria: CeGaT Center For Human Genetics Tuebingen Variant Classification Criteria Version 2. Collection method: clinical testing. Allele origin: germline. Affected: yes. Observed: 1 variant allele.
Comment: TYR: PM2, BP4

Genome-Nilou Lab
Classification: Uncertain significance for Oculocutaneous albinism type 1A. Last evaluated: 2021-07-22. Review status: criteria provided, single submitter. Criteria: ACMG Guidelines, 2015. Collection method: clinical testing. Allele origin: germline. Affected: no.

Fulgent Genetics
Classification: Uncertain significance for Oculocutaneous albinism type 1A; SKIN/HAIR/EYE PIGMENTATION 3, LIGHT/DARK SKIN; Oculocutaneous albinism type 1B. Last evaluated: 2018-10-31. Review status: criteria provided, single submitter. Criteria: ACMG Guidelines, 2015. Collection method: clinical testing. Allele origin: unknown.

Illumina Laboratory Services, Illumina
Classification: Uncertain significance for Oculocutaneous albinism. Last evaluated: 2017-04-27. Review status: criteria provided, single submitter. Criteria: ICSL Variant Classification Criteria 13 December 2019. Collection method: clinical testing. Allele origin: germline.
Comment: This variant was observed as part of a predisposition screen in an ostensibly healthy population. A literature search was performed for the gene, cDNA change, and amino acid change (where applicable). Publications were found based on this search. However, the evidence from the literature, in combination with allele frequency data from public databases where available, was not sufficient to rule this variant in or out of causing disease. Therefore, this variant is classified as a variant of unknown significance.

GeneDx
Classification: Uncertain significance. Last evaluated: 2016-01-13. Review status: criteria provided, single submitter. Criteria: GeneDx Variant Classification (06012015). Collection method: clinical testing. Allele origin: germline. Affected: yes.
Comment: The c.1366+4A>G variant in the TYR gene has been reported previously in the heterozygous state in an individual with oculocutaneous albinism type 1B (Hutton et al., 2008). This variant reduces the quality of the splice donor site in intron 4, and is expected to cause abnormal gene splicing. However, the NHLBI Exome Sequencing Project reports that c.1366+4A>G was observed in 23/8592 alleles (0.26%) from individuals of European American ancestry, including one homozygous individual within this control population. Based on the currently available data, we interpret c.1366+4A>G as a variant of uncertain significance.

Clinical Genetics DNA and cytogenetics Diagnostics Lab, Erasmus MC, Erasmus Medical Center
Classification: Uncertain significance. Review status: no assertion criteria provided. Collection method: clinical testing. Allele origin: germline. Affected: yes. Study: VKGL Data-share Consensus. Not counted in ClinVar's aggregate classification.

Clinical Genetics, Academic Medical Center
Classification: Uncertain significance. Review status: no assertion criteria provided. Collection method: clinical testing. Allele origin: germline. Affected: yes. Study: VKGL Data-share Consensus. Not counted in ClinVar's aggregate classification.

Dr. Peter K. Rogan Lab, Western University
No classification provided (evidence only). Condition: Melanoma. Review status: no classification provided. Collection method: in vitro. Allele origin: not applicable. Functional consequence: skipped exon, retained intron. Not counted in ClinVar's aggregate classification.

Dr. Peter K. Rogan Lab, Western University
No classification provided (evidence only). Condition: Melanoma. Review status: no classification provided. Collection method: in vitro. Allele origin: not applicable. Functional consequence: skipped exon, retained intron. Not counted in ClinVar's aggregate classification.

Dr. Peter K. Rogan Lab, Western University
No classification provided (evidence only). Condition: Familial cancer of breast. Review status: no classification provided. Collection method: in vitro. Allele origin: not applicable. Functional consequence: skipped exon, retained intron. Not counted in ClinVar's aggregate classification.

Retina International
No classification provided. Review status: no classification provided. Collection method: not provided. Allele origin: not provided. Not counted in ClinVar's aggregate classification.

Literature cited by the submitters: PubMed 8217557 (cited by Illumina Laboratory Services, Illumina).

NM_000372.5(TYR):c.1366+4A>G

Gene: TYR (tyrosinase; plus strand). Cytogenetic location: 11q14.3.
Variant type: single nucleotide variant.
Coding change: c.1366+4A>G on transcript NM_000372.5 (MANE Select); 4 bases into the intron after coding-DNA position 1366, A replaced by G.
Molecular consequence: intron variant.
Genome position (GRCh38, 1-based): chr11:89,284,958, A>G. VCF-style: chr11-89284958-A-G. GRCh37 (hg19) VCF-style: chr11-89018126-A-G.
Identifiers: ClinVar variation 99548 (VCV000099548.42), dbSNP rs61754398, ClinGen allele CA227529.